The following is an entry in ClinVar:

NM_002386.4(MC1R):c.790A>C (p.Ile264Leu)

Gene: MC1R (melanocortin 1 receptor; plus strand). Cytogenetic location: 16q24.3.
Variant type: single nucleotide variant.
Coding change: c.790A>C on transcript NM_002386.4 (MANE Select); coding-DNA position 790, A replaced by C.
Protein change: p.Ile264Leu; replaces isoleucine 264 with leucine.
Molecular consequence: missense variant.
Genome position (GRCh38, 1-based): chr16:89,920,048, A>C. VCF-style: chr16-89920048-A-C. GRCh37 (hg19) VCF-style: chr16-89986456-A-C.
Other names: short protein forms I264L.
Identifiers: ClinVar variation 582092 (VCV000582092.12), dbSNP rs1044424142, ClinGen allele CA397463281.

ClinVar aggregate classification (germline): Uncertain significance. Review status: criteria provided, multiple submitters, no conflicts (2 of 4 stars). 2 submissions from 2 submitters: Uncertain significance (2). Last evaluated 2025-07-31.

Conditions:
Melanoma, cutaneous malignant, susceptibility to, 5. Also called: Cutaneous malignant melanoma 5. Identifiers: Orphanet 618, MedGen C2751295, MONDO:0013133, OMIM 613099.

Allele frequency attached by ClinVar (database versions not stated): TOPMed 0.00001.
gnomAD v4.1: 2 of 1,613,680 alleles (0.00012%); highest among the groups gnomAD compares: East Asian, 0.0022%; no homozygotes.

Submissions (2):

Labcorp Genetics (formerly Invitae), Labcorp
Classification: Uncertain significance for Melanoma, cutaneous malignant, susceptibility to, 5. Last evaluated: 2025-07-31. Review status: criteria provided, single submitter. Criteria: Invitae Variant Classification Sherloc (09022015). Collection method: clinical testing. Allele origin: germline.
Comment: This sequence change replaces isoleucine, which is neutral and non-polar, with leucine, which is neutral and non-polar, at codon 264 of the MC1R protein (p.Ile264Leu). This variant is not present in population databases (gnomAD no frequency). This variant has not been reported in the literature in individuals affected with MC1R-related conditions. ClinVar contains an entry for this variant (Variation ID: 582092). Invitae Evidence Modeling of protein sequence and biophysical properties (such as structural, functional, and spatial information, amino acid conservation, physicochemical variation, residue mobility, and thermodynamic stability) indicates that this missense variant is not expected to disrupt MC1R protein function with a negative predictive value of 80%. In summary, the available evidence is currently insufficient to determine the role of this variant in disease. Therefore, it has been classified as a Variant of Uncertain Significance.

Ambry Genetics
Classification: Uncertain significance. Last evaluated: 2024-10-05. Review status: criteria provided, single submitter. Criteria: Ambry Variant Classification Scheme 2023. Collection method: clinical testing. Allele origin: germline.
Comment: The p.I264L variant (also known as c.790A>C), located in coding exon 1 of the MC1R gene, results from an A to C substitution at nucleotide position 790. The isoleucine at codon 264 is replaced by leucine, an amino acid with highly similar properties. This amino acid position is conserved. In addition, this alteration is predicted to be tolerated by in silico analysis. Based on the available evidence, the clinical significance of this variant remains unclear.